The following is an entry in ClinVar:

NM_000037.4(ANK1):c.237C>T (p.Asn79=)

Gene: ANK1 (ankyrin 1; minus strand). Cytogenetic location: 8p11.21.
Variant type: single nucleotide variant.
Coding change: c.237C>T on transcript NM_000037.4 (MANE Select); coding-DNA position 237, C replaced by T.
Protein change: p.Asn79=; no amino-acid change (asparagine 79 retained).
Molecular consequence: synonymous variant.
Genome position (GRCh38, 1-based): chr8:41,727,998, G>A on the plus strand (C>T on the coding strand, the complement: ANK1 is on the minus strand). VCF-style: chr8-41727998-G-A. GRCh37 (hg19) VCF-style: chr8-41585516-G-A.
Other names: p.Asn79=; c.336C>T, p.Asn112= (NM_001142446.2); c.237C>T, p.Asn79= (NM_020475.3, NM_020476.3, NM_020477.3).
Identifiers: ClinVar variation 261300 (VCV000261300.15), dbSNP rs372696694, ClinGen allele CA4729042.
Genomic context (GRCh38, chr8:41,727,998, plus strand): 5'-GTTGACAAGCTCCCGGACCACCTCATCCTGCCCGGCTAGAGCAGCGATGTGCAGGGCCGT[G>A]TTCCCCTTCTGAAACACATGGGGGAAGGGAACAGAGGCGGTTTCCCACTGGGCCCGCTAC-3'
Protein context (NP_000028.3, residues 69-89): IILETTTKKG[Asn79=]TALHIAALAG

ClinVar aggregate classification (germline): Conflicting classifications of pathogenicity. Review status: criteria provided, conflicting classifications (1 of 4 stars). 6 submissions from 5 submitters: Uncertain significance (1); Benign (4); Likely benign (1). Last evaluated 2025-09-17.

Conditions:
Hereditary spherocytosis type 1. Also called: Spherocytosis type 1; ANK1-Related Spherocytosis. Identifiers: Orphanet 822, MedGen C2674218, MONDO:0008447, OMIM 182900.
Spherocytosis. Identifiers: MedGen C0553720, HP:0004444.

Allele frequency attached by ClinVar (database versions not stated): ExAC 0.00301; 1000 Genomes Project 0.00559; gnomAD 0.00001 and 0.00082; gnomAD exomes 0.00130 and 0.00266; TOPMed 0.00015; 1000 Genomes Project 30x 0.00531.
gnomAD v4.1: 2,033 of 1,614,022 alleles (0.13%); highest among the groups gnomAD compares: South Asian, 2.1%; 30 homozygotes.

Submissions (6):

Labcorp Genetics (formerly Invitae), Labcorp
Classification: Benign. Last evaluated: 2025-09-17. Review status: criteria provided, single submitter. Criteria: Invitae Variant Classification Sherloc (09022015). Collection method: clinical testing. Allele origin: germline.

ARUP Laboratories, Molecular Genetics and Genomics, ARUP Laboratories
Classification: Benign for Hereditary spherocytosis type 1. Last evaluated: 2023-07-29. Review status: criteria provided, single submitter. Criteria: ARUP Molecular Germline Variant Investigation Process 2024. Collection method: clinical testing. Allele origin: germline.

Mayo Clinic Laboratories, Mayo Clinic
Classification: Benign. Last evaluated: 2020-08-27. Review status: criteria provided, single submitter. Criteria: ACMG Guidelines, 2015. Collection method: clinical testing. Allele origin: germline. Observed: 2 variant alleles.

Illumina Laboratory Services, Illumina
Classification: Benign for Hereditary spherocytosis type 1. Last evaluated: 2018-01-13. Review status: criteria provided, single submitter. Criteria: ICSL Variant Classification Criteria 13 December 2019. Collection method: clinical testing. Allele origin: germline.
Comment: This variant was observed in the ICSL laboratory as part of a predisposition screen in an ostensibly healthy population. It had not been previously curated by ICSL or reported in the Human Gene Mutation Database (HGMD: prior to June 1st, 2018), and was therefore a candidate for classification through an automated scoring system. Utilizing variant allele frequency, disease prevalence and penetrance estimates, and inheritance mode, an automated score was calculated to assess if this variant is too frequent to cause the disease. Based on the score and internal cut-off values, a variant classified as benign is not then subjected to further curation. The score for this variant resulted in a classification of benign for this disease.

Illumina Laboratory Services, Illumina
Classification: Uncertain significance for Spherocytosis. Last evaluated: 2018-01-13. Review status: criteria provided, single submitter. Criteria: ICSL Variant Classification Criteria 13 December 2019. Collection method: clinical testing. Allele origin: germline.

PreventionGenetics, part of Exact Sciences
Classification: Likely benign. Review status: criteria provided, single submitter. Criteria: ACMG Guidelines, 2015. Collection method: clinical testing. Allele origin: germline.